The following is an entry in ClinVar:

NM_004456.5(EZH2):c.1672+4_1672+7del

Gene: EZH2 (enhancer of zeste 2 polycomb repressive complex 2 subunit; minus strand). Cytogenetic location: 7q36.1.
Variant type: Deletion.
Coding change: c.1672+4_1672+7del on transcript NM_004456.5 (MANE Select); bases 4 to 7 of the intron after coding-DNA position 1672, 4 bases deleted (AGTA; older notation c.1672+4_1672+7delAGTA).
Molecular consequence: splice donor variant. On other transcripts: intron variant (1).
Genome position (GRCh38, 1-based): chr7:148,814,907-148,814,910, TACT deleted on the plus strand (AGTA on the coding strand, the reverse complement: EZH2 is on the minus strand); deleting any 4 consecutive bases within chr7:148,814,907-148,814,913 gives the same sequence; the c. name uses the placement nearest the transcript's 3' end. VCF-style (leftmost placement, unchanged base first): chr7-148814906-ATACT-A. GRCh37 (hg19) VCF-style: chr7-148511998-ATACT-A.
Other names: c.1630+4_1630+7del (NM_001203248.2); c.1540+4_1540+7del (NM_152998.3); c.1657+4_1657+7del (NM_001203247.2); c.1504+596_1504+599del (NM_001203249.2).
Identifiers: ClinVar variation 1302303 (VCV001302303.4), dbSNP rs1372182346, ClinGen allele CA2573052834.

ClinVar aggregate classification (germline): Uncertain significance. Review status: criteria provided, multiple submitters, no conflicts (2 of 4 stars). 2 submissions from 2 submitters: Uncertain significance (2). Last evaluated 2025-10-11.

Conditions:
Weaver syndrome (WVS). Also called: Weaver Smith syndrome; Overgrowth syndrome with accelerated skeletal maturation, unusual facies, and camptodactyly. Identifiers: Orphanet 3447, MedGen C0265210, MONDO:0010193, OMIM 277590.

Submissions (2):

GeneDx
Classification: Uncertain significance. Last evaluated: 2025-10-11. Review status: criteria provided, single submitter. Criteria: GeneDx Variant Classification Process June 2021. Collection method: clinical testing. Allele origin: germline. Affected: yes.
Comment: Not observed at significant frequency in large population cohorts (gnomAD); Canonical splice site variant with an unclear effect on protein function; Has not been previously published as pathogenic or benign to our knowledge

Victorian Clinical Genetics Services, Murdoch Childrens Research Institute
Classification: Uncertain significance for Weaver syndrome. Last evaluated: 2024-10-21. Review status: criteria provided, single submitter. Criteria: ACMG Guidelines, 2015. Collection method: clinical testing. Allele origin: germline. Affected: yes.
Comment: This variant is classified as VUS-3B. Evidence in support of pathogenic classification: Non-canonical splice site variant without proven consequence on splicing (no functional evidence available); Variant is present in gnomAD <0.001 for a dominant condition (v4: 1 heterozygote(s), 0 homozygote(s)). Additional information: This variant is heterozygous; This gene is associated with autosomal dominant disease; Previous evidence of pathogenicity for this variant is inconclusive. This variant has been classified as a VUS by a clinical laboratory (ClinVar); No published segregation evidence has been identified for this variant; No published functional evidence has been identified for this variant; No comparable non-canonical splice region variants have previous evidence for pathogenicity; In silico prediction for abnormal splicing and nucleotide conservation are conflicting; Loss of function is a known mechanism of disease in this gene and is associated with Weaver syndrome (MIM#277590); Inheritance information for this variant is not currently available in this individual.